The following is an entry in ClinVar:

ClinVar aggregate classification (germline): Uncertain significance. Review status: criteria provided, multiple submitters, no conflicts (2 of 4 stars). 2 submissions from 2 submitters: Uncertain significance (2). Last evaluated 2025-08-11.

Conditions:
Inborn genetic diseases. Identifiers: MedGen C0950123, MeSH D030342.
Peroxisome biogenesis disorder 3A (Zellweger). Also called: PEROXISOMAL BIOGENESIS DISORDER 3A (ZELLWEGER); Peroxisome biogenesis disorder 3A. Identifiers: Orphanet 912, MedGen C3553929, MONDO:0013927, OMIM 614859.

Allele frequency attached by ClinVar (database versions not stated): ExAC 0.00001; gnomAD 0.00001; gnomAD exomes 0.00001; TOPMed 0.00002.
gnomAD v4.1: 25 of 1,613,688 alleles (0.0015%); highest among the groups gnomAD compares: Middle Eastern, 0.016%; no homozygotes.

Submissions (2):

Ambry Genetics
Classification: Uncertain significance for Inborn genetic diseases. Last evaluated: 2025-08-11. Review status: criteria provided, single submitter. Criteria: Ambry Variant Classification Scheme 2023. Collection method: clinical testing. Allele origin: germline.

Labcorp Genetics (formerly Invitae), Labcorp
Classification: Uncertain significance for Peroxisome biogenesis disorder 3A (Zellweger). Last evaluated: 2022-10-25. Review status: criteria provided, single submitter. Criteria: Invitae Variant Classification Sherloc (09022015). Collection method: clinical testing. Allele origin: germline.
Comment: This sequence change replaces leucine, which is neutral and non-polar, with valine, which is neutral and non-polar, at codon 297 of the PEX12 protein (p.Leu297Val). This variant is present in population databases (rs774415243, gnomAD 0.003%). This variant has not been reported in the literature in individuals affected with PEX12-related conditions. Advanced modeling of protein sequence and biophysical properties (such as structural, functional, and spatial information, amino acid conservation, physicochemical variation, residue mobility, and thermodynamic stability) performed at Invitae indicates that this missense variant is not expected to disrupt PEX12 protein function. In summary, the available evidence is currently insufficient to determine the role of this variant in disease. Therefore, it has been classified as a Variant of Uncertain Significance.

NM_000286.3(PEX12):c.889T>G (p.Leu297Val)

Gene: PEX12 (peroxisomal biogenesis factor 12; minus strand). Cytogenetic location: 17q12.
Variant type: single nucleotide variant.
Coding change: c.889T>G on transcript NM_000286.3 (MANE Select); coding-DNA position 889, T replaced by G.
Protein change: p.Leu297Val; replaces leucine 297 with valine.
Molecular consequence: missense variant.
Genome position (GRCh38, 1-based): chr17:35,575,973, A>C on the plus strand (T>G on the coding strand, the complement: PEX12 is on the minus strand). VCF-style: chr17-35575973-A-C. GRCh37 (hg19) VCF-style: chr17-33902992-A-C.
Other names: c.889T>G (NM_000286.2); short protein forms L297V.
Identifiers: ClinVar variation 2199293 (VCV002199293.2), dbSNP rs774415243, ClinGen allele CA8504828.